The following is an entry in ClinVar:

ClinVar aggregate classification (germline): Likely benign (1 of 4 stars; one submission).

Allele frequency attached by ClinVar (database versions not stated): 1000 Genomes Project 30x 0.00031; 1000 Genomes Project 0.00040; ExAC 0.00065.
gnomAD v4.1: 450 of 1,554,780 alleles (0.029%); highest among the groups gnomAD compares: South Asian, 0.35%; 74 homozygotes.

Submission:

CeGaT Center for Human Genetics Tuebingen
Classification: Likely benign. Last evaluated: 2023-08-01. Review status: criteria provided, single submitter. Criteria: CeGaT Center For Human Genetics Tuebingen Variant Classification Criteria Version 2. Collection method: clinical testing. Allele origin: germline. Affected: yes. Observed: 1 variant allele.
Comment: UGT2B28: PP3, BS2

NM_053039.2(UGT2B28):c.1310+6T>C

Gene: UGT2B28 (UDP glucuronosyltransferase family 2 member B28; plus strand). Cytogenetic location: 4q13.2.
Variant type: single nucleotide variant.
Coding change: c.1310+6T>C on transcript NM_053039.2 (MANE Select); 6 bases into the intron after coding-DNA position 1310, T replaced by C.
Molecular consequence: intron variant.
Genome position (GRCh38, 1-based): chr4:69,290,817, T>C. VCF-style: chr4-69290817-T-C. GRCh37 (hg19) VCF-style: chr4-70156535-T-C.
Other names: c.1003-3713T>C (NM_001207004.2).
Identifiers: ClinVar variation 2654788 (VCV002654788.24), dbSNP rs369400855, ClinGen allele CA2946055.